The following is an entry in ClinVar:

NC_000017.11:g.3600934_3658165del

Genes: TRPV1 (transient receptor potential cation channel subfamily V member 1; minus strand), CTNS (cystinosin, lysosomal cystine transporter; plus strand), CTNS-AS1 (CTNS antisense RNA 1; minus strand), SHPK (sedoheptulokinase; minus strand), LOC126862464 (MED14-independent group 3 enhancer GRCh37_chr17:3526895-3528094; plus strand) and 3 more. Cytogenetic location: 17p13.2.
Variant type: Deletion.
Other names: 57-KB DEL; AF168787:g.36254_93510del.
Identifiers: ClinVar variation 4445 (VCV000004445.4).

ClinVar aggregate classification (germline): Pathogenic. Review status: criteria provided, single submitter (1 of 4 stars). 5 submissions from 3 submitters: Pathogenic (1). 4 of the submissions do not count toward it.

Conditions:
Juvenile nephropathic cystinosis. Also called: CYSTINOSIS, LATE-ONSET JUVENILE OR ADOLESCENT NEPHROPATHIC TYPE; Intermediate Cystinosis; Later-Onset (Juvenile) Cystinosis. Identifiers: Orphanet 213, Orphanet 411634, MedGen C0268626, MONDO:0009066, OMIM 219900.
Ocular cystinosis. Also called: Non-Nephropathic (Ocular) Cystinosis; Non-Nephropathic Cystinosis. Identifiers: Orphanet 213, Orphanet 411641, MedGen C2931013, MONDO:0009064, OMIM 219750.
Nephropathic cystinosis (CTNS). Also called: Abderhalden Lignac Kaufmann disease; Abderhalden-Kaufmann-Lignac syndrome; CYSTINOSIN, DEFECT OF; LYSOSOMAL CYSTINE TRANSPORT PROTEIN, DEFECT OF. Identifiers: Orphanet 213, Orphanet 411629, MedGen C2931187, MONDO:0100151, OMIM 219800.

Submissions (5):

Victorian Clinical Genetics Services, Murdoch Childrens Research Institute
Classification: Pathogenic for Nephropathic cystinosis. Review status: criteria provided, single submitter. Criteria: ACMG Guidelines, 2015. Collection method: clinical testing. Allele origin: biparental. Affected: yes.
Comment: Evidence considered in support of pathogenic classification: - This intragenic copy number variant (CNV) results in the deletion of exons 1-9 and part of exon 10 (of 11) of the CTNS gene. This CNV also spans the SHPK gene and part of the TRPV1 gene. Neither of the SHPK nor TRPV1 genes have a strong association to disease (OMIM, PanelApp) - Variant is present in gnomAD (SV v2.1) <0.01 for a recessive condition (10 heterozygotes, 0 homozygotes). - Other loss-of-function variants comparable to the one identified in this case (including both intragenic CNVs and variants resulting in a premature termination codon) have very strong previous evidence for pathogenicity (OMIM, Decipher, PMID: 15365816, PMID: 30949462). - This variant has strong previous evidence of pathogenicity in unrelated individuals. This variant is the most common pathogenic variant among Northern European populations, and has been reported in many homozygous individuals with nephropathic cystinosis (PMID: 10673275, PMID: 15365816, PMID: 30949462, PMID: 31570786). Additional information: - Loss of function is a known mechanism of disease in this gene and is associated with nephropathic cystinosis (MIM#219800). - This gene is associated with autosomal recessive disease. - This variant is homozygous.

GeneReviews
Classification: Pathogenic for Cystinosis. Last evaluated: 2011-08-11. Review status: no assertion criteria provided. Collection method: curation. Allele origin: unknown. Not counted in ClinVar's aggregate classification.
ClinVar note: Converted during submission from pathologic to Pathogenic.

OMIM
Classification: Pathogenic for CYSTINOSIS, NEPHROPATHIC. Last evaluated: 2009-11-01. Review status: no assertion criteria provided. Collection method: literature only. Allele origin: germline. Not counted in ClinVar's aggregate classification.

OMIM
Classification: Pathogenic for CYSTINOSIS, LATE-ONSET JUVENILE OR ADOLESCENT NEPHROPATHIC TYPE. Last evaluated: 2009-11-01. Review status: no assertion criteria provided. Collection method: literature only. Allele origin: germline. Not counted in ClinVar's aggregate classification.

OMIM
Classification: Pathogenic for CYSTINOSIS, OCULAR NONNEPHROPATHIC. Last evaluated: 2009-11-01. Review status: no assertion criteria provided. Collection method: literature only. Allele origin: germline. Not counted in ClinVar's aggregate classification.

Literature cited by the submitters: PubMed 10673275 (cited by OMIM); PubMed 9537412 (cited by OMIM); PubMed 9792862 (cited by OMIM); PubMed 12110740 (cited by OMIM); PubMed 15365816 (cited by OMIM); PubMed 18186520 (cited by OMIM); PubMed 27734949 (cited by OMIM); PubMed 10625078 (cited by OMIM); PubMed 19863563 (cited by OMIM).